The following is an entry in ClinVar:

NM_203447.4(DOCK8):c.1979C>T (p.Ala660Val)

Gene: DOCK8 (dedicator of cytokinesis 8; plus strand). Cytogenetic location: 9p24.3.
Variant type: single nucleotide variant.
Coding change: c.1979C>T on transcript NM_203447.4 (MANE Select); coding-DNA position 1979, C replaced by T.
Protein change: p.Ala660Val; replaces alanine 660 with valine.
Molecular consequence: missense variant.
Genome position (GRCh38, 1-based): chr9:371,538, C>T. VCF-style: chr9-371538-C-T. GRCh37 (hg19) VCF-style: chr9-371538-C-T.
Other names: c.1979C>T (NM_203447.3); c.1775C>T, p.Ala592Val (NM_001190458.2, NM_001193536.2); short protein forms A592V, A660V.
Identifiers: ClinVar variation 1504878 (VCV001504878.7), dbSNP rs550289472, ClinGen allele CA372761586.

ClinVar aggregate classification (germline): Uncertain significance. Review status: criteria provided, multiple submitters, no conflicts (2 of 4 stars). 2 submissions from 2 submitters: Uncertain significance (2). Last evaluated 2025-11-24.

Conditions:
Inborn genetic diseases. Identifiers: MedGen C0950123, MeSH D030342.
Combined immunodeficiency due to DOCK8 deficiency (HIES2). Also called: HIES autosomal recessive; DOCK8 Deficiency; Hyper-IgE recurrent infection syndrome, autosomal recessive; HYPER-IgE RECURRENT INFECTION SYNDROME 2, AUTOSOMAL RECESSIVE; HYPER-IgE SYNDROME 2, AUTOSOMAL RECESSIVE, WITH RECURRENT INFECTIONS. Identifiers: Orphanet 217390, MedGen C4722305, MONDO:0009478, OMIM 243700.

gnomAD v4.1: 2 of 1,614,074 alleles (0.00012%); highest among the groups gnomAD compares: Admixed American, 0.0017%; no homozygotes.

Submissions (2):

Labcorp Genetics (formerly Invitae), Labcorp
Classification: Uncertain significance for Combined immunodeficiency due to DOCK8 deficiency. Last evaluated: 2025-11-24. Review status: criteria provided, single submitter. Criteria: Invitae Variant Classification Sherloc (09022015). Collection method: clinical testing. Allele origin: germline.
Comment: This sequence change replaces alanine, which is neutral and non-polar, with valine, which is neutral and non-polar, at codon 660 of the DOCK8 protein (p.Ala660Val). This variant is not present in population databases (gnomAD no frequency). This variant has not been reported in the literature in individuals affected with DOCK8-related conditions. ClinVar contains an entry for this variant (Variation ID: 1504878). Invitae Evidence Modeling of protein sequence and biophysical properties (such as structural, functional, and spatial information, amino acid conservation, physicochemical variation, residue mobility, and thermodynamic stability) indicates that this missense variant is not expected to disrupt DOCK8 protein function with a negative predictive value of 80%. In summary, the available evidence is currently insufficient to determine the role of this variant in disease. Therefore, it has been classified as a Variant of Uncertain Significance.

Ambry Genetics
Classification: Uncertain significance for Inborn genetic diseases. Last evaluated: 2025-01-31. Review status: criteria provided, single submitter. Criteria: Ambry Variant Classification Scheme 2023. Collection method: clinical testing. Allele origin: germline.